The following is an entry in ClinVar:

GRCh37/hg19 14q32.2-32.31(chr14:100419086-101506214)x1

Genes: BEGAIN (brain enriched guanylate kinase associated; minus strand), DEGS2 (delta 4-desaturase, sphingolipid 2; minus strand), DLK1 (delta like non-canonical Notch ligand 1; plus strand), EVL (Enah/Vasp-like; plus strand), MEG3 (maternally expressed 3; plus strand) and 18 more. Cytogenetic location: 14q32.2-32.31.
Variant type: copy number loss.
Change: copy number 1 (one copy instead of two) of chr14:100,419,086-101,506,214 (1.09 Mb, GRCh37 coordinates, 1-based), cytogenetic band 14q32.2-32.31.
Identifiers: ClinVar variation 4682848 (VCV004682848.1).

ClinVar aggregate classification (germline): Pathogenic (1 of 4 stars; one submission).

Submission:

Quest Diagnostics Nichols Institute San Juan Capistrano
Classification: Pathogenic. Last evaluated: 2024-10-15. Review status: criteria provided, single submitter. Criteria: ACMG/ClinGen CNV Guidelines, 2019. Collection method: clinical testing. Allele origin: unknown.
Comment: This 14q32.2q32.31 deletion involves at least 10 protein-coding genes and is consistent with the 14q32 region associated with UPD(14) phenotypes (ISCA-37449), and fully involves the DLK1-MEG3 intergenic region (ISCA-37447). Haploinsufficiency of the DLK1-MEG3 intergenic region has been associated with multiple congenital anomalies due to an 14q32.2 imprinting defect (ISCA-37447). Depending on the parental origin of the 14q32.2 deletion, individuals may present with Temple syndrome (TS; OMIM 616222) or Kagami-Ogata syndrome (KOS; OMIM 608149). There are no similar copy number losses of this region in the general populations of the Database of Genomic Variants. Thus, based on current medical literature and gene content, this copy number variant (CNV) is classified as pathogenic. References: Gabriele et al., Am J Hum Genet. 2017 Jun 1;100(6):907-925. PMID: 28575647